The following is an entry in ClinVar:

ClinVar aggregate classification (germline): Uncertain significance (1 of 4 stars; one submission).

Conditions:
Episodic ataxia type 2 (EA2). Also called: CEREBELLAR ATAXIA, PAROXYSMAL, ACETAZOLAMIDE-RESPONSIVE; CEREBELLOPATHY, HEREDITARY PAROXYSMAL; EPISODIC ATAXIA, NYSTAGMUS-ASSOCIATED; ACETAZOLAMIDE-RESPONSIVE HEREDITARY PAROXYSMAL CEREBELLAR ATAXIA; ATAXIA, EPISODIC, WITH NYSTAGMUS; ATAXIA, FAMILIAL PAROXYSMAL. Identifiers: Orphanet 97, MedGen C1720416, MONDO:0007163, OMIM 108500.
Developmental and epileptic encephalopathy, 42 (DEE42A). Also called: Epileptic encephalopathy, early infantile, 42; DEVELOPMENTAL AND EPILEPTIC ENCEPHALOPATHY 42A; EPILEPTIC ENCEPHALOPATHY, EARLY INFANTILE, 42A. Identifiers: MedGen C4310716, MONDO:0014917, OMIM 617106.

Submission:

Labcorp Genetics (formerly Invitae), Labcorp
Classification: Uncertain significance for Developmental and epileptic encephalopathy, 42; Episodic ataxia type 2. Last evaluated: 2023-11-20. Review status: criteria provided, single submitter. Criteria: Invitae Variant Classification Sherloc (09022015). Collection method: clinical testing. Allele origin: germline.
Comment: This sequence change replaces glycine, which is neutral and non-polar, with alanine, which is neutral and non-polar, at codon 2253 of the CACNA1A protein (p.Gly2253Ala). This variant is not present in population databases (gnomAD no frequency). This variant has not been reported in the literature in individuals affected with CACNA1A-related conditions. Advanced modeling of protein sequence and biophysical properties (such as structural, functional, and spatial information, amino acid conservation, physicochemical variation, residue mobility, and thermodynamic stability) performed at Invitae indicates that this missense variant is not expected to disrupt CACNA1A protein function with a negative predictive value of 95%. In summary, the available evidence is currently insufficient to determine the role of this variant in disease. Therefore, it has been classified as a Variant of Uncertain Significance.

NM_001127222.2(CACNA1A):c.6755G>C (p.Gly2252Ala)

Genes: CACNA1A (calcium voltage-gated channel subunit alpha1 A; minus strand), LOC130063717 (ATAC-STARR-seq lymphoblastoid silent region 10203; plus strand). Cytogenetic location: 19p13.13.
Variant type: single nucleotide variant.
Coding change: c.6755G>C on transcript NM_001127222.2 (MANE Select); coding-DNA position 6755, G replaced by C.
Protein change: p.Gly2252Ala; replaces glycine 2252 with alanine.
Molecular consequence: missense variant.
Genome position (GRCh38, 1-based): chr19:13,208,781, C>G on the plus strand (G>C on the coding strand, the complement: CACNA1A is on the minus strand). VCF-style: chr19-13208781-C-G. GRCh37 (hg19) VCF-style: chr19-13319595-C-G.
Other names: c.6773G>C, p.Gly2258Ala (NM_000068.4, NM_023035.3); c.6758G>C, p.Gly2253Ala (NM_001127221.2); c.6764G>C, p.Gly2255Ala (NM_001174080.2); short protein forms G2252A, G2253A, G2255A, G2258A.
Identifiers: ClinVar variation 2952585 (VCV002952585.3), dbSNP rs2512515244, ClinGen allele CA404329414.